The following is an entry in ClinVar:

NM_022051.3(EGLN1):c.559C>A (p.Pro187Thr)

Gene: EGLN1 (egl-9 family hypoxia inducible factor 1; minus strand). Cytogenetic location: 1q42.2.
Variant type: single nucleotide variant.
Coding change: c.559C>A on transcript NM_022051.3 (MANE Select); coding-DNA position 559, C replaced by A.
Protein change: p.Pro187Thr; replaces proline 187 with threonine.
Molecular consequence: missense variant.
Genome position (GRCh38, 1-based): chr1:231,421,330, G>T on the plus strand (C>A on the coding strand, the complement: EGLN1 is on the minus strand). VCF-style: chr1-231421330-G-T. GRCh37 (hg19) VCF-style: chr1-231557076-G-T.
Other names: c.559C>A, p.Pro187Thr (NM_001377260.1, NM_001377261.1); short protein forms P187T.
Identifiers: ClinVar variation 2450384 (VCV002450384.2), dbSNP rs1223102143, ClinGen allele CA345236593.

ClinVar aggregate classification (germline): Uncertain significance (1 of 4 stars; one submission).

Submission:

Ambry Genetics
Classification: Uncertain significance. Last evaluated: 2023-02-04. Review status: criteria provided, single submitter. Criteria: Ambry Variant Classification Scheme 2023. Collection method: clinical testing. Allele origin: germline.
Comment: The p.P187T variant (also known as c.559C>A), located in coding exon 1 of the EGLN1 gene, results from a C to A substitution at nucleotide position 559. The proline at codon 187 is replaced by threonine, an amino acid with highly similar properties. This amino acid position is conserved. In addition, this alteration is predicted to be tolerated by in silico analysis. Since supporting evidence is limited at this time, the clinical significance of this alteration remains unclear.